The following is an entry in ClinVar:

ClinVar aggregate classification (germline): Uncertain significance (1 of 4 stars; one submission).

Conditions:
Severe myoclonic epilepsy in infancy (DRVT). Also called: Severe Myoclonic Epilepsy in Infancy (SMEI); Dravet syndrome; SEVERE MYOCLONIC EPILEPSY OF INFANCY; DEVELOPMENTAL AND EPILEPTIC ENCEPHALOPATHY 6A; Epileptic encephalopathy, early infantile, 6 (Dravet syndrome). Identifiers: Orphanet 33069, MedGen C0751122, MONDO:0100135, OMIM 607208.

Submission:

Neuberg Centre For Genomic Medicine, NCGM
Classification: Uncertain significance for Severe myoclonic epilepsy in infancy. Review status: criteria provided, single submitter. Criteria: ACMG Guidelines, 2015. Collection method: clinical testing. Allele origin: germline. Inheritance: Autosomal dominant inheritance. Affected: yes.
Comment: The c.761C>T (p.Thr254Ile) missense variant in SCN1A gene has not been reported previously as a pathogenic variant nor as a benign variant, to our knowledge. The p.Thr254Ile variant is novel (not in any individuals) in gnomAD Exomes and 1000 Genomes. The amino acid Thr at position 254 is changed to a Ile changing protein sequence and it might alter its composition and physico-chemical properties. The amino acid change p.Thr254Ile in SCN1A is predicted as conserved by GERP++ and PhyloP across 100 vertebrates. For these reasons, this variant has been classified as Variant of Uncertain Significance (VUS).

NM_001165963.4(SCN1A):c.761C>T (p.Thr254Ile)

Gene: SCN1A (sodium voltage-gated channel alpha subunit 1; minus strand). Cytogenetic location: 2q24.3.
Variant type: single nucleotide variant.
Coding change: c.761C>T on transcript NM_001165963.4 (MANE Select); coding-DNA position 761, C replaced by T.
Protein change: p.Thr254Ile; replaces threonine 254 with isoleucine.
Molecular consequence: missense variant. On other transcripts: 5 prime UTR variant (1), non-coding transcript variant (1).
Genome position (GRCh38, 1-based): chr2:166,051,922, G>A on the plus strand (C>T on the coding strand, the complement: SCN1A is on the minus strand). VCF-style: chr2-166051922-G-A. GRCh37 (hg19) VCF-style: chr2-166908432-G-A.
Other names: c.761C>T, p.Thr254Ile (NM_001165964.3, NM_001202435.3, NM_001353948.2 and 10 more transcripts); c.-1665C>T (NM_001353961.2); short protein forms T254I.
Identifiers: ClinVar variation 2585513 (VCV002585513.1), dbSNP rs2468224216, ClinGen allele CA349073548.